The following is an entry in ClinVar:

NM_001035.3(RYR2):c.6053A>C (p.Asp2018Ala)

Gene: RYR2 (ryanodine receptor 2; plus strand). Cytogenetic location: 1q43.
Variant type: single nucleotide variant.
Coding change: c.6053A>C on transcript NM_001035.3 (MANE Select); coding-DNA position 6053, A replaced by C.
Protein change: p.Asp2018Ala; replaces aspartic acid 2018 with alanine.
Molecular consequence: missense variant.
Genome position (GRCh38, 1-based): chr1:237,625,691, A>C. VCF-style: chr1-237625691-A-C. GRCh37 (hg19) VCF-style: chr1-237788991-A-C.
Other names: short protein forms D2018A.
Identifiers: ClinVar variation 4756529 (VCV004756529.1).
Genomic context (GRCh38, chr1:237,625,691, plus strand): 5'-TTTTTCTGCCTCTCTGTTTTTTTATACTAGGAATTGAGCTGGATGAAGATGGGTCTCTGG[A>C]TGGAAACAGTGATTTAACAATTAGAGGGCGTCTGCTATCCCTGGTAGAAAAGGTGACATA-3'
Protein context (NP_001026.2, residues 2008-2028): GIELDEDGSL[Asp2018Ala]GNSDLTIRGR

ClinVar aggregate classification (germline): Uncertain significance (1 of 4 stars; one submission).

Conditions:
Cardiomyopathy (CMYO). Also called: Cardiomyopathies. Identifiers: Orphanet 167848, MedGen C0878544, MONDO:0004994, HP:0001638. Inheritance: Various modes of inheritance.

Submission:

Color Diagnostics, LLC DBA Color Health
Classification: Uncertain significance for Cardiomyopathy. Last evaluated: 2025-09-22. Review status: criteria provided, single submitter. Criteria: ACMG Guidelines, 2015. Collection method: clinical testing. Allele origin: germline.
Comment: This missense variant replaces aspartic acid with alanine at codon 2018 of the RYR2 protein. Computational prediction suggests that this variant may not impact protein structure and function. To our knowledge, functional studies have not been reported for this variant. This variant has not been reported in individuals affected with RYR2-related disorders in the literature. This variant has not been identified in the general population by the Genome Aggregation Database (gnomAD). The available evidence is insufficient to determine the role of this variant in disease conclusively. Therefore, this variant is classified as a Variant of Uncertain Significance.